The following is an entry in ClinVar:

NM_033109.5(PNPT1):c.1750_1752del (p.Glu584del)

Gene: PNPT1 (polyribonucleotide nucleotidyltransferase 1; minus strand). Cytogenetic location: 2p16.1.
Variant type: Deletion.
Coding change: c.1750_1752del on transcript NM_033109.5 (MANE Select); coding-DNA positions 1750 to 1752, 3 bases deleted (GAG; older notation c.1750_1752delGAG).
Protein change: p.Glu584del; deletes glutamic acid 584.
Molecular consequence: inframe deletion.
Genome position (GRCh38, 1-based): chr2:55,645,419-55,645,421, CTC deleted on the plus strand (GAG on the coding strand, the reverse complement: PNPT1 is on the minus strand); deleting any 3 consecutive bases within chr2:55,645,419-55,645,423 gives the same sequence; the c. name uses the placement nearest the transcript's 3' end. VCF-style (leftmost placement, unchanged base first): chr2-55645418-TCTC-T. GRCh37 (hg19) VCF-style: chr2-55872553-TCTC-T.
Other names: short protein forms E584del.
Identifiers: ClinVar variation 1958605 (VCV001958605.2), dbSNP rs779097280, ClinGen allele CA1667953.

ClinVar aggregate classification (germline): Uncertain significance (1 of 4 stars; one submission).

Submission:

Labcorp Genetics (formerly Invitae), Labcorp
Classification: Uncertain significance. Last evaluated: 2022-05-05. Review status: criteria provided, single submitter. Criteria: Invitae Variant Classification Sherloc (09022015). Collection method: clinical testing. Allele origin: germline.
Comment: This variant, c.1750_1752del, results in the deletion of 1 amino acid(s) of the PNPT1 protein (p.Glu584del), but otherwise preserves the integrity of the reading frame. This variant is present in population databases (rs779097280, gnomAD 0.007%). This variant has not been reported in the literature in individuals affected with PNPT1-related conditions. Experimental studies and prediction algorithms are not available or were not evaluated, and the functional significance of this variant is currently unknown. In summary, the available evidence is currently insufficient to determine the role of this variant in disease. Therefore, it has been classified as a Variant of Uncertain Significance.